The following is an entry in ClinVar:

ClinVar aggregate classification (germline): Uncertain significance (1 of 4 stars; one submission).

Allele frequency attached by ClinVar (database versions not stated): ExAC 0.00002; gnomAD 0.00002; gnomAD exomes 0.00002; TOPMed 0.00002.
gnomAD v4.1: 29 of 1,614,054 alleles (0.0018%); highest among the groups gnomAD compares: African/African-American, 0.0053%; no homozygotes.

Submission:

Labcorp Genetics (formerly Invitae), Labcorp
Classification: Uncertain significance. Last evaluated: 2025-08-18. Review status: criteria provided, single submitter. Criteria: Invitae Variant Classification Sherloc (09022015). Collection method: clinical testing. Allele origin: germline.
Comment: This sequence change replaces valine, which is neutral and non-polar, with methionine, which is neutral and non-polar, at codon 467 of the GDF5 protein (p.Val467Met). This variant is present in population databases (rs773181009, gnomAD 0.08%). This variant has not been reported in the literature in individuals affected with GDF5-related conditions. ClinVar contains an entry for this variant (Variation ID: 2164905). Invitae Evidence Modeling of protein sequence and biophysical properties (such as structural, functional, and spatial information, amino acid conservation, physicochemical variation, residue mobility, and thermodynamic stability) indicates that this missense variant is expected to disrupt GDF5 protein function with a positive predictive value of 80%. In summary, the available evidence is currently insufficient to determine the role of this variant in disease. Therefore, it has been classified as a Variant of Uncertain Significance.

NM_000557.5(GDF5):c.1399G>A (p.Val467Met)

Genes: GDF5 (growth differentiation factor 5; minus strand), GDF5-AS1 (GDF5 antisense RNA 1; plus strand). Cytogenetic location: 20q11.22.
Variant type: single nucleotide variant.
Coding change: c.1399G>A on transcript NM_000557.5 (MANE Select); coding-DNA position 1399, G replaced by A.
Protein change: p.Val467Met; replaces valine 467 with methionine.
Molecular consequence: missense variant. On other transcripts: non-coding transcript variant (1).
Genome position (GRCh38, 1-based): chr20:35,434,016, C>T on the plus strand (G>A on the coding strand, the complement: GDF5 is on the minus strand). VCF-style: chr20-35434016-C-T. GRCh37 (hg19) VCF-style: chr20-34021814-C-T.
Other names: c.1399G>A, p.Val467Met (NM_001319138.2); short protein forms V467M.
Identifiers: ClinVar variation 2164905 (VCV002164905.2), dbSNP rs773181009, ClinGen allele CA9832122.